The following is an entry in ClinVar:

NM_002693.3(POLG):c.782G>A (p.Trp261Ter)

Gene: POLG (DNA polymerase gamma, catalytic subunit; minus strand). Cytogenetic location: 15q26.1.
Variant type: single nucleotide variant.
Coding change: c.782G>A on transcript NM_002693.3 (MANE Select); coding-DNA position 782, G replaced by A.
Protein change: p.Trp261Ter; replaces tryptophan 261 with a stop codon.
Molecular consequence: nonsense.
Genome position (GRCh38, 1-based): chr15:89,330,154, C>T on the plus strand (G>A on the coding strand, the complement: POLG is on the minus strand). VCF-style: chr15-89330154-C-T. GRCh37 (hg19) VCF-style: chr15-89873385-C-T.
Other names: c.782G>A, p.Trp261Ter (NM_001126131.2); short protein forms W261*.
Identifiers: ClinVar variation 3692333 (VCV003692333.2).

ClinVar aggregate classification (germline): Pathogenic (1 of 4 stars; one submission).

Conditions:
Progressive sclerosing poliodystrophy (MTDPS4A). Also called: ALPERS PROGRESSIVE INFANTILE POLIODYSTROPHY; NEURONAL DEGENERATION OF CHILDHOOD WITH LIVER DISEASE, PROGRESSIVE; Alpers Syndrome; ALPERS DIFFUSE DEGENERATION OF CEREBRAL GRAY MATTER WITH HEPATIC CIRRHOSIS; Alpers-Huttenlocher Syndrome; Mitochondrial DNA depletion syndrome 4A (Alpers type). Identifiers: Orphanet 726, MedGen C0205710, MONDO:0008758, OMIM 203700.

Submission:

Labcorp Genetics (formerly Invitae), Labcorp
Classification: Pathogenic for Progressive sclerosing poliodystrophy. Last evaluated: 2024-02-03. Review status: criteria provided, single submitter. Criteria: Invitae Variant Classification Sherloc (09022015). Collection method: clinical testing. Allele origin: germline.
Comment: This sequence change creates a premature translational stop signal (p.Trp261*) in the POLG gene. It is expected to result in an absent or disrupted protein product. Loss-of-function variants in POLG are known to be pathogenic (PMID: 18546365). This variant is not present in population databases (gnomAD no frequency). This variant has not been reported in the literature in individuals affected with POLG-related conditions. For these reasons, this variant has been classified as Pathogenic.

Literature cited by the submitters: PubMed 18546365.